The following is an entry in ClinVar:

NM_020771.4(HACE1):c.1589G>A (p.Trp530Ter)

Gene: HACE1 (HECT domain and ankyrin repeat containing E3 ubiquitin protein ligase 1; minus strand). Cytogenetic location: 6q16.3.
Variant type: single nucleotide variant.
Coding change: c.1589G>A on transcript NM_020771.4 (MANE Select); coding-DNA position 1589, G replaced by A.
Protein change: p.Trp530Ter; replaces tryptophan 530 with a stop codon.
Molecular consequence: nonsense. On other transcripts: non-coding transcript variant (7).
Genome position (GRCh38, 1-based): chr6:104,777,295, C>T on the plus strand (G>A on the coding strand, the complement: HACE1 is on the minus strand). VCF-style: chr6-104777295-C-T. GRCh37 (hg19) VCF-style: chr6-105225170-C-T.
Other names: c.1457G>A, p.Trp486Ter (NM_001321080.2); c.1487G>A, p.Trp496Ter (NM_001321083.2); c.1085G>A, p.Trp362Ter (NM_001321084.2, NM_001350557.2, NM_001350558.2); c.1355G>A, p.Trp452Ter (NM_001350554.2); c.1298G>A, p.Trp433Ter (NM_001350555.2); c.1103G>A, p.Trp368Ter (NM_001350556.2); c.1007G>A, p.Trp336Ter (NM_001350559.2); c.806G>A, p.Trp269Ter (NM_001350560.2); short protein forms W269*, W336*, W362*, W368*, W433*, W452*, W486*, W496*.
Identifiers: ClinVar variation 4814229 (VCV004814229.1).
Genomic context (GRCh38, chr6:104,777,295, plus strand): 5'-TTCACTGGCCTGTGCACCATATCTGAATCTGGCTGTCCTGAATGCAAATGTTCATAGAAC[C>T]ATTCACAGCGATCTTTAAAAGGCTAGCTCAAAAAATAAGAGTAAAATATGTTAGCAGTGT-3'

ClinVar aggregate classification (germline): Pathogenic (1 of 4 stars; one submission).

Conditions:
HACE1-related neurodevelopmental disorder.

gnomAD v4.1: 1 of 1,611,538 alleles (0.000062%); highest among the groups gnomAD compares: South Asian, 0.0011%; no homozygotes.

Submission:

Rady Children's Institute for Genomic Medicine, Rady Children's Hospital San Diego
Classification: Pathogenic for HACE1-related neurodevelopmental disorder. Last evaluated: 2025-05-30. Review status: criteria provided, single submitter. Criteria: ACMG Guidelines, 2015. Collection method: clinical testing. Allele origin: germline. Affected: yes.
Comment: This nonsense variant found in exon 15 of 24 is predicted to result in loss of normal protein function through either protein truncation or nonsense-mediated mRNA decay. This variant has been previously reported as a homozygous change in a patient with delayed motor milestones, leg spasticity, arm and leg weakness, seizure, lack of speech development, and abnormal findings on brain MRI (PMID: 38301322). The c.1589G>A (p.Trp530Ter) variant is present in the latest version of the gnomAD population database at an allele frequency of 0.00006% (1/1611538) and absent in the homozygous state, thus is presumed to be rare. Based on the available evidence, c.1589G>A (p.Trp530Ter) is classified as Pathogenic.

Literature cited by the submitters: PubMed 38301322.